The following is an entry in ClinVar:

ClinVar aggregate classification (germline): Likely benign. Review status: criteria provided, multiple submitters, no conflicts (2 of 4 stars). 2 submissions from 2 submitters: Likely benign (2). Last evaluated 2024-02-27.

Conditions:
Familial adenomatous polyposis 1 (FAP1). Also called: FAMILIAL ADENOMATOUS POLYPOSIS 1, ATTENUATED; POLYPOSIS, ADENOMATOUS INTESTINAL. Identifiers: MedGen C2713442, MONDO:0021056, OMIM 175100. Disease mechanism: loss of function.

Submissions (2):

Myriad Genetics, Inc.
Classification: Likely benign for Familial adenomatous polyposis 1. Last evaluated: 2024-02-27. Review status: criteria provided, single submitter. Criteria: Myriad Autosomal Dominant, Autosomal Recessive and X-Linked Classification Criteria (2023). Collection method: clinical testing. Allele origin: unknown.
Comment: This variant is considered likely benign. This variant is intronic and is not expected to impact mRNA splicing.

Labcorp Genetics (formerly Invitae), Labcorp
Classification: Likely benign for Familial adenomatous polyposis 1. Last evaluated: 2023-03-12. Review status: criteria provided, single submitter. Criteria: Invitae Variant Classification Sherloc (09022015). Collection method: clinical testing. Allele origin: germline.

NM_000038.6(APC):c.835-16T>C

Gene: APC (APC regulator of Wnt signaling pathway; plus strand). Cytogenetic location: 5q22.2.
Variant type: single nucleotide variant.
Coding change: c.835-16T>C on transcript NM_000038.6 (MANE Select); 16 bases into the intron before coding-DNA position 835, T replaced by C.
Molecular consequence: intron variant.
Genome position (GRCh38, 1-based): chr5:112,815,479, T>C. VCF-style: chr5-112815479-T-C. GRCh37 (hg19) VCF-style: chr5-112151176-T-C.
Other names: c.835-16T>C (NM_001354895.2, NM_001127510.3, NM_001354896.2 and 1 more transcripts); c.865-16T>C (NM_001354897.2, NM_001354902.2); c.781-16T>C (NM_001127511.3); c.760-16T>C (NM_001354898.2, NM_001354904.2); c.-15-16T>C (NM_001354906.2); c.751-16T>C (NM_001354899.2); c.658-16T>C (NM_001354900.2, NM_001354901.2, NM_001354905.2).
Identifiers: ClinVar variation 1637187 (VCV001637187.9), dbSNP rs2149762073, ClinGen allele CA2573138813.